The following is an entry in ClinVar:

NM_001042492.3(NF1):c.1973_1974del (p.Leu658fs)

Gene: NF1 (neurofibromin 1; plus strand). Cytogenetic location: 17q11.2.
Variant type: Microsatellite.
Coding change: c.1973_1974del on transcript NM_001042492.3 (MANE Select); coding-DNA positions 1973 to 1974, 2 bases deleted (TC; older notation c.1973_1974delTC).
Protein change: p.Leu658fs; shifts the reading frame from leucine 658.
Molecular consequence: frameshift variant.
Genome position (GRCh38, 1-based): chr17:31,225,222-31,225,223, TC deleted; deleting any 2 consecutive bases within chr17:31,225,217-31,225,223 gives the same sequence; the c. name uses the placement nearest the transcript's 3' end. VCF-style (leftmost placement, unchanged base first): chr17-31225216-CCT-C. GRCh37 (hg19) VCF-style: chr17-29552234-CCT-C.
Other names: c.1973_1974delTC (NM_000267.3); c.1969_1970TC[2], p.Leu658Profs (NM_000267.4); short protein forms L658fs.
Identifiers: ClinVar variation 424182 (VCV000424182.5), dbSNP rs1064796843, ClinGen allele CA16620359.
Genomic context (GRCh38, chr17:31,225,216, plus strand): 5'-CTAGTGGAAATACCAGTCAAATGTCCATGGATCATGAAGAATTACTACGTACTCCTGGAG[CCT>C]CTCTCCGGAAGGGAAAAGGGAACTCCTCTATGGTCAGCTTCTTCTGTACTTTTTCTGTAT-3'

ClinVar aggregate classification (germline): Pathogenic. Review status: criteria provided, multiple submitters, no conflicts (2 of 4 stars). 2 submissions from 2 submitters: Pathogenic (2). Last evaluated 2023-11-15.

Conditions:
Neurofibromatosis, type 1 (NF1). Also called: Neurofibromatosis, type I; VON RECKLINGHAUSEN DISEASE; NEUROFIBROMATOSIS, TYPE I, SOMATIC; Peripheral type neurofibromatosis. Identifiers: Orphanet 636, MedGen C0027831, MONDO:0018975, OMIM 162200. Disease mechanism: loss of function.

Submissions (2):

Labcorp Genetics (formerly Invitae), Labcorp
Classification: Pathogenic for Neurofibromatosis, type 1. Last evaluated: 2023-11-15. Review status: criteria provided, single submitter. Criteria: Invitae Variant Classification Sherloc (09022015). Collection method: clinical testing. Allele origin: germline.
Comment: This sequence change creates a premature translational stop signal (p.Leu658Profs*11) in the NF1 gene. It is expected to result in an absent or disrupted protein product. Loss-of-function variants in NF1 are known to be pathogenic (PMID: 10712197, 23913538). This variant is not present in population databases (gnomAD no frequency). This variant has not been reported in the literature in individuals affected with NF1-related conditions. ClinVar contains an entry for this variant (Variation ID: 424182). For these reasons, this variant has been classified as Pathogenic.

GeneDx
Classification: Pathogenic. Last evaluated: 2017-09-28. Review status: criteria provided, single submitter. Criteria: GeneDx Variant Classification (06012015). Collection method: clinical testing. Allele origin: germline. Affected: yes.
Comment: The c.1973_1974delTC variant in the NF1 gene causes a frameshift starting with codon Leucine 658, changes this amino acid to a Proline residue and creates a premature Stop codon at position 11 of the new reading frame, denoted p.Leu658ProfsX11. This pathogenic variant is predicted to cause loss of normal protein function either through protein truncation or nonsense-mediated mRNA decay. The variant is not observed in large population cohorts (Lek et al., 2016; 1000 Genomes Consortium et al., 2015; Exome Variant Server). Although this variant has not been previously reported to our knowledge, we consider it to be pathogenic.

Literature cited by the submitters: PubMed 10712197 (cited by Labcorp Genetics (formerly Invitae), Labcorp); PubMed 23913538 (cited by Labcorp Genetics (formerly Invitae), Labcorp).